The following is an entry in ClinVar:

ClinVar aggregate classification (germline): Uncertain significance (1 of 4 stars; one submission).

Conditions:
Immunodeficiency, common variable, 7. Identifiers: Orphanet 1572, Orphanet 696894, MedGen C3542922, MONDO:0013862, OMIM 614699.

Submission:

Labcorp Genetics (formerly Invitae), Labcorp
Classification: Uncertain significance for Immunodeficiency, common variable, 7. Last evaluated: 2021-04-25. Review status: criteria provided, single submitter. Criteria: Invitae Variant Classification Sherloc (09022015). Collection method: clinical testing. Allele origin: germline.
Comment: In summary, the available evidence is currently insufficient to determine the role of this variant in disease. Therefore, it has been classified as a Variant of Uncertain Significance. Algorithms developed to predict the effect of missense changes on protein structure and function output the following: SIFT: "Tolerated"; PolyPhen-2: "Benign"; Align-GVGD: "Class C0". The leucine amino acid residue is found in multiple mammalian species, suggesting that this missense change does not adversely affect protein function. These predictions have not been confirmed by published functional studies and their clinical significance is uncertain. This variant has not been reported in the literature in individuals with CR2-related conditions. This variant is present in population databases (rs373698188, ExAC 0.006%). This sequence change replaces valine with leucine at codon 1056 of the CR2 protein (p.Val1056Leu). The valine residue is weakly conserved and there is a small physicochemical difference between valine and leucine.

NM_001006658.3(CR2):c.3166G>T (p.Val1056Leu)

Gene: CR2 (complement C3d receptor 2; plus strand). Cytogenetic location: 1q32.2.
Variant type: single nucleotide variant.
Coding change: c.3166G>T on transcript NM_001006658.3 (MANE Select); coding-DNA position 3166, G replaced by T.
Protein change: p.Val1056Leu; replaces valine 1056 with leucine.
Molecular consequence: missense variant.
Genome position (GRCh38, 1-based): chr1:207,480,031, G>T. VCF-style: chr1-207480031-G-T. GRCh37 (hg19) VCF-style: chr1-207653376-G-T.
Other names: c.2989G>T, p.Val997Leu (NM_001877.5); short protein forms V997L, V1056L.
Identifiers: ClinVar variation 1390791 (VCV001390791.7), dbSNP rs373698188, ClinGen allele CA1369163.
Genomic context (GRCh38, chr1:207,480,031, plus strand): 5'-CTTCTAGGTATTGCTGCAGGTTTGATACTTCTTACCTTCTTGATTGTCATTACCTTATAC[G>T]TGATATCAAAACACAGAGCACGGTAAGTTCAAAGGCGAATACTTGATTGACCAACATGCA-3'
Protein context (NP_001006659.1, residues 1046-1066): LTFLIVITLY[Val1056Leu]ISKHRARNYY